The following is an entry in ClinVar:

ClinVar aggregate classification (germline): Likely benign (1 of 4 stars; one submission).

Submission:

Women's Health and Genetics/Laboratory Corporation of America, LabCorp
Classification: Likely benign. Last evaluated: 2026-04-06. Review status: criteria provided, single submitter. Criteria: LabCorp Variant Classification Summary - May 2015. Collection method: clinical testing. Allele origin: germline.
Comment: Variant summary: GLI1 c.1524A>G results in a synonymous change. Consensus agreement among computation tools predict no significant impact on normal splicing. However, these predictions have yet to be confirmed by functional studies. The variant was absent in 251190 control chromosomes. The available data on variant occurrences in the general population are insufficient to allow any conclusion about variant significance. To our knowledge, no occurrence of c.1524A>G in individuals affected with GLI1-related conditions and no experimental evidence demonstrating its impact on protein function have been reported. No submitters have cited clinical-significance assessments for this variant to ClinVar. Based on the evidence outlined above, the variant was classified as likely benign.

NM_005269.3(GLI1):c.1524A>G (p.Gln508=)

Gene: GLI1 (GLI family zinc finger 1; plus strand). Cytogenetic location: 12q13.3.
Variant type: single nucleotide variant.
Coding change: c.1524A>G on transcript NM_005269.3 (MANE Select); coding-DNA position 1524, A replaced by G.
Protein change: p.Gln508=; no amino-acid change (glutamine 508 retained).
Molecular consequence: synonymous variant.
Genome position (GRCh38, 1-based): chr12:57,469,646, A>G. VCF-style: chr12-57469646-A-G. GRCh37 (hg19) VCF-style: chr12-57863429-A-G.
Other names: c.1140A>G, p.Gln380= (NM_001160045.2); c.1401A>G, p.Gln467= (NM_001167609.2).
Identifiers: ClinVar variation 4848897 (VCV004848897.1).